The following is an entry in ClinVar:

ClinVar aggregate classification (germline): Uncertain significance (1 of 4 stars; one submission).

Submission:

Labcorp Genetics (formerly Invitae), Labcorp
Classification: Uncertain significance. Last evaluated: 2025-07-31. Review status: criteria provided, single submitter. Criteria: Invitae Variant Classification Sherloc (09022015). Collection method: clinical testing. Allele origin: germline.
Comment: This sequence change replaces methionine, which is neutral and non-polar, with valine, which is neutral and non-polar, at codon 324 of the RP2 protein (p.Met324Val). This variant is not present in population databases (gnomAD no frequency). This variant has not been reported in the literature in individuals affected with RP2-related conditions. ClinVar contains an entry for this variant (Variation ID: 1518000). Invitae Evidence Modeling of protein sequence and biophysical properties (such as structural, functional, and spatial information, amino acid conservation, physicochemical variation, residue mobility, and thermodynamic stability) indicates that this missense variant is not expected to disrupt RP2 protein function with a negative predictive value of 95%. In summary, the available evidence is currently insufficient to determine the role of this variant in disease. Therefore, it has been classified as a Variant of Uncertain Significance.

NM_006915.3(RP2):c.970A>G (p.Met324Val)

Gene: RP2 (RP2 activator of ARL3 GTPase; plus strand). Cytogenetic location: Xp11.3.
Variant type: single nucleotide variant.
Coding change: c.970A>G on transcript NM_006915.3 (MANE Select); coding-DNA position 970, A replaced by G.
Protein change: p.Met324Val; replaces methionine 324 with valine.
Molecular consequence: missense variant.
Genome position (GRCh38, 1-based): chrX:46,879,686, A>G. VCF-style: chrX-46879686-A-G. GRCh37 (hg19) VCF-style: chrX-46739121-A-G.
Other names: short protein forms M324V.
Identifiers: ClinVar variation 1518000 (VCV001518000.6), dbSNP rs958857884, ClinGen allele CA329692699.
Genomic context (GRCh38, chrX:46,879,686, plus strand): 5'-GCTTTGGCATTCTGAAGTACTTGGTACTGATTTTTTTTTTTAATTTTCTATTTAAAATAG[A>G]TGTTTGTATCTGAAAGCAAGGAGACGGCATCTGGAGATGTAGACAGCTTCTACAACTTTG-3'
Protein context (NP_008846.2, residues 314-334): IVNEIFNGTK[Met324Val]FVSESKETAS